The following is an entry in ClinVar:

ClinVar aggregate classification (germline): Uncertain significance (1 of 4 stars; one submission).

Conditions:
Hereditary cancer-predisposing syndrome. Also called: Neoplastic Syndromes, Hereditary; Tumor predisposition; Hereditary Cancer Syndrome; Hereditary neoplastic syndrome. Identifiers: Orphanet 140162, MedGen C0027672, MeSH D009386, MONDO:0015356.

Submission:

Ambry Genetics
Classification: Uncertain significance for Hereditary cancer-predisposing syndrome. Last evaluated: 2025-11-20. Review status: criteria provided, single submitter. Criteria: Ambry Variant Classification Scheme 2023. Collection method: clinical testing. Allele origin: germline.
Comment: The c.431-6T>G intronic variant results from a T to G substitution 6 nucleotides upstream from coding exon 5 in the BMPR1A gene. This nucleotide position is well conserved in available vertebrate species. In silico splice site analysis for this alteration is inconclusive, and direct evidence is insufficient at this time (Ambry internal data). Based on the available evidence, the clinical significance of this variant remains unclear.

NM_004329.3(BMPR1A):c.431-6T>G

Gene: BMPR1A (bone morphogenetic protein receptor type 1A; plus strand). Cytogenetic location: 10q23.2.
Variant type: single nucleotide variant.
Coding change: c.431-6T>G on transcript NM_004329.3 (MANE Select); 6 bases into the intron before coding-DNA position 431, T replaced by G.
Molecular consequence: intron variant.
Genome position (GRCh38, 1-based): chr10:86,900,021, T>G. VCF-style: chr10-86900021-T-G. GRCh37 (hg19) VCF-style: chr10-88659778-T-G.
Other names: c.431-6T>G (NM_001406562.1, NM_001406568.1, NM_001406564.1 and 22 more transcripts); c.347-6T>G (NM_001406584.1, NM_001406588.1, NM_001406587.1 and 2 more transcripts); c.333+7792T>G (NM_001406589.1).
Identifiers: ClinVar variation 4623422 (VCV004623422.1).